The following is an entry in ClinVar:

ClinVar aggregate classification (germline): Uncertain significance (1 of 4 stars; one submission).

gnomAD v4.1: 5 of 1,614,210 alleles (0.00031%); highest among the groups gnomAD compares: Middle Eastern, 0.016%; no homozygotes.

Submission:

CeGaT Center for Human Genetics Tuebingen
Classification: Uncertain significance. Last evaluated: 2023-09-01. Review status: criteria provided, single submitter. Criteria: CeGaT Center For Human Genetics Tuebingen Variant Classification Criteria Version 2. Collection method: clinical testing. Allele origin: germline. Affected: yes. Observed: 1 variant allele.
Comment: STEAP3: PM2, BP4

NM_182915.3(STEAP3):c.1330C>G (p.Leu444Val)

Gene: STEAP3 (STEAP3 metalloreductase; plus strand). Cytogenetic location: 2q14.2.
Variant type: single nucleotide variant.
Coding change: c.1330C>G on transcript NM_182915.3 (MANE Select); coding-DNA position 1330, C replaced by G.
Protein change: p.Leu444Val; replaces leucine 444 with valine.
Molecular consequence: missense variant. On other transcripts: 3 prime UTR variant (1).
Genome position (GRCh38, 1-based): chr2:119,263,171, C>G. VCF-style: chr2-119263171-C-G. GRCh37 (hg19) VCF-style: chr2-120020747-C-G.
Other names: c.1300C>G, p.Leu434Val (NM_001008410.2, NM_018234.3); c.*158C>G (NM_138637.3); short protein forms L434V, L444V.
Identifiers: ClinVar variation 2651302 (VCV002651302.24), dbSNP rs1453522713, ClinGen allele CA348344096.